The following is an entry in ClinVar:

NM_000443.4(ABCB4):c.805T>C (p.Phe269Leu)

Gene: ABCB4 (ATP binding cassette subfamily B member 4; minus strand). Cytogenetic location: 7q21.12.
Variant type: single nucleotide variant.
Coding change: c.805T>C on transcript NM_000443.4 (MANE Select); coding-DNA position 805, T replaced by C.
Protein change: p.Phe269Leu; replaces phenylalanine 269 with leucine.
Molecular consequence: missense variant.
Genome position (GRCh38, 1-based): chr7:87,449,996, A>G on the plus strand (T>C on the coding strand, the complement: ABCB4 is on the minus strand). VCF-style: chr7-87449996-A-G. GRCh37 (hg19) VCF-style: chr7-87079312-A-G.
Other names: c.805T>C, p.Phe269Leu (NM_018849.3, NM_018850.3); short protein forms F269L.
Identifiers: ClinVar variation 910928 (VCV000910928.9), dbSNP rs756070393, ClinGen allele CA4327456.
Genomic context (GRCh38, chr7:87,449,996, plus strand): 5'-CCTTAAACCAGTGGCTAAAGAACCTTCCTGACCTTTCCAGCTCTTTGTTCTGGCCCCCGA[A>G]AGCTATCACAGTCCTGATGGCCCCCAGAGCCTCTTCTGCCACGGCGCCTGCTTTTGCATA-3'
Protein context (NP_000434.1, residues 259-279): ALGAIRTVIA[Phe269Leu]GGQNKELERY

ClinVar aggregate classification (germline): Uncertain significance. Review status: criteria provided, multiple submitters, no conflicts (2 of 4 stars). 4 submissions from 3 submitters: Uncertain significance (4). Last evaluated 2026-01-09.

Conditions:
Progressive familial intrahepatic cholestasis type 3. Also called: MDR3 DEFICIENCY; Low Gamma-GT Familial Intrahepatic Cholestasis. Identifiers: Orphanet 79305, MedGen C1865643, MONDO:0011214, OMIM 602347.
Cholestasis, intrahepatic, of pregnancy, 3. Identifiers: Orphanet 69665, MedGen C3554241, MONDO:0013995, OMIM 614972.

Allele frequency attached by ClinVar (database versions not stated): gnomAD exomes below 0.00001 and 0.00001; ExAC 0.00001.
gnomAD v4.1: 1 of 1,614,194 alleles (0.000062%); highest among the groups gnomAD compares: Non-Finnish European, 0.000085%; no homozygotes.

Submissions (4):

Dasa
Classification: Uncertain significance. Last evaluated: 2026-01-09. Review status: criteria provided, single submitter. Criteria: DASA Assertion Criteria. Collection method: clinical testing. Allele origin: germline.
Comment: NM_000443.4(ABCB4):c.805T>C (p.Phe269Leu) is a missense variant that results in the substitution of phenylalanine with leucine. This variant is rare in population databases. Computational prediction algorithms are consistent with a deleterious effect. The currently available literature and clinical evidence are not sufficient to establish a definitive association between this variant and the reported condition. Therefore, this variant is classified as a variant of uncertain significance.

Labcorp Genetics (formerly Invitae), Labcorp
Classification: Uncertain significance. Last evaluated: 2025-10-02. Review status: criteria provided, single submitter. Criteria: Invitae Variant Classification Sherloc (09022015). Collection method: clinical testing. Allele origin: germline.
Comment: This sequence change replaces phenylalanine, which is neutral and non-polar, with leucine, which is neutral and non-polar, at codon 269 of the ABCB4 protein (p.Phe269Leu). This variant is present in population databases (rs756070393, gnomAD 0.002%). This variant has not been reported in the literature in individuals affected with ABCB4-related conditions. ClinVar contains an entry for this variant (Variation ID: 910928). Invitae Evidence Modeling of protein sequence and biophysical properties (such as structural, functional, and spatial information, amino acid conservation, physicochemical variation, residue mobility, and thermodynamic stability) indicates that this missense variant is not expected to disrupt ABCB4 protein function with a negative predictive value of 80%. In summary, the available evidence is currently insufficient to determine the role of this variant in disease. Therefore, it has been classified as a Variant of Uncertain Significance.

Illumina Laboratory Services, Illumina
Classification: Uncertain significance for Progressive familial intrahepatic cholestasis type 3. Last evaluated: 2018-01-13. Review status: criteria provided, single submitter. Criteria: ICSL Variant Classification Criteria 13 December 2019. Collection method: clinical testing. Allele origin: germline.

Illumina Laboratory Services, Illumina
Classification: Uncertain significance for Cholestasis, intrahepatic, of pregnancy, 3. Last evaluated: 2018-01-13. Review status: criteria provided, single submitter. Criteria: ICSL Variant Classification Criteria 13 December 2019. Collection method: clinical testing. Allele origin: germline.